The following is an entry in ClinVar:

ClinVar aggregate classification (germline): Pathogenic. Review status: criteria provided, single submitter (1 of 4 stars). 2 submissions from 2 submitters: Pathogenic (1). 1 of the submissions does not count toward it. Last evaluated 2025-01-07.

Conditions:
Argininosuccinate lyase deficiency. Also called: ARGININOSUCCINIC ACID LYASE DEFICIENCY; ASL DEFICIENCY; Argininosuccinic aciduria. Identifiers: Orphanet 23, MedGen C0268547, MONDO:0008815, OMIM 207900, HP:0025630.

Submissions (2):

3billion
Classification: Pathogenic for Argininosuccinate lyase deficiency. Last evaluated: 2025-01-07. Review status: criteria provided, single submitter. Criteria: ACMG Guidelines, 2015. Collection method: clinical testing. Allele origin: germline. Affected: yes.
Comment: The variant is not observed in the gnomAD v4.1.0 dataset. Predicted Consequence/Location: Frameshift: predicted to result in a loss or disruption of normal protein function through nonsense-mediated decay (NMD) or protein truncation. Multiple pathogenic variants are reported downstream of the variant. The variant has been reported to be associated with ASL-related disorder (ClinVar ID: VCV000555261). Therefore, this variant is classified as Pathogenic according to the recommendation of ACMG/AMP guideline.

Counsyl
Classification: Likely pathogenic for Argininosuccinate lyase deficiency. Last evaluated: 2017-11-27. Review status: no assertion criteria provided. Collection method: clinical testing. Allele origin: unknown. Not counted in ClinVar's aggregate classification.

NM_000048.4(ASL):c.283_285delinsGGCG (p.Arg95fs)

Gene: ASL (argininosuccinate lyase; plus strand). Cytogenetic location: 7q11.21.
Variant type: Indel.
Coding change: c.283_285delinsGGCG on transcript NM_000048.4 (MANE Select); coding-DNA positions 283 to 285, CGC replaced by GGCG.
Protein change: p.Arg95fs; shifts the reading frame from arginine 95.
Molecular consequence: frameshift variant.
Genome position (GRCh38, 1-based): chr7:66,082,443-66,082,445, CGC replaced by GGCG. VCF-style: chr7-66082443-CGC-GGCG. GRCh37 (hg19) VCF-style: chr7-65547430-CGC-GGCG.
Other names: c.283_285delinsGGCG, p.Arg95fs (NM_001024943.2, NM_001024944.2, NM_001024946.2); short protein forms R95fs.
Identifiers: ClinVar variation 555261 (VCV000555261.3), dbSNP rs1554326365, ClinGen allele CA658821786.
Genomic context (GRCh38, chr7:66,082,443, plus strand): 5'-GCCCAGGGCACCTTCAAACTGAACTCCAATGATGAGGACATCCACACAGCCAATGAGCGC[CGC>GGCG]CTGAAGGTACGACCCCTGGAGCCCCACCGCTTTCCTTGCCTCCCCTCTCCACCTTGCCCA-3'